The following is an entry in ClinVar:

NM_182961.4(SYNE1):c.7238-11T>C

Gene: SYNE1 (spectrin repeat containing nuclear envelope protein 1; minus strand). Cytogenetic location: 6q25.2.
Variant type: single nucleotide variant.
Coding change: c.7238-11T>C on transcript NM_182961.4 (MANE Select); 11 bases into the intron before coding-DNA position 7238, T replaced by C.
Molecular consequence: intron variant.
Genome position (GRCh38, 1-based): chr6:152,398,742, A>G on the plus strand (T>C on the coding strand, the complement: SYNE1 is on the minus strand). VCF-style: chr6-152398742-A-G. GRCh37 (hg19) VCF-style: chr6-152719877-A-G.
Other names: c.7259-11T>C (NM_033071.5).
Identifiers: ClinVar variation 355913 (VCV000355913.14), dbSNP rs200802315, ClinGen allele CA4057866.

ClinVar aggregate classification (germline): Conflicting classifications of pathogenicity. Review status: criteria provided, conflicting classifications (1 of 4 stars). 5 submissions from 4 submitters: Uncertain significance (1); Likely benign (4). Last evaluated 2025-06-29.

Conditions:
Emery-Dreifuss muscular dystrophy 4, autosomal dominant (EDMD4). Also called: EMERY-DREIFUSS MUSCULAR DYSTROPHY 4 WITH VARIABLE FEATURES. Identifiers: Orphanet 261, MedGen C2751807, MONDO:0013071, OMIM 612998.
Autosomal recessive ataxia, Beauce type. Also called: SYNE1-Related Autosomal Recessive Cerebellar Ataxia; Spinocerebellar ataxia, autosomal recessive 8; ATAXIA, RECESSIVE, OF BEAUCE; SYNE1 Deficiency. Identifiers: Orphanet 88644, MedGen C1853116, MONDO:0012549, OMIM 610743.

Allele frequency attached by ClinVar (database versions not stated): gnomAD exomes 0.00030 and 0.00012; ExAC 0.00011; ESP Exome Variant Server 0.00015; 1000 Genomes Project 30x 0.00016; TOPMed 0.00018; gnomAD 0.00019 and 0.00020; 1000 Genomes Project 0.00020.
gnomAD v4.1: 465 of 1,598,538 alleles (0.029%); highest among the groups gnomAD compares: Non-Finnish European, 0.037%; no homozygotes.

Submissions (5):

Labcorp Genetics (formerly Invitae), Labcorp
Classification: Likely benign for Emery-Dreifuss muscular dystrophy 4, autosomal dominant; Autosomal recessive ataxia, Beauce type. Last evaluated: 2025-06-29. Review status: criteria provided, single submitter. Criteria: Invitae Variant Classification Sherloc (09022015). Collection method: clinical testing. Allele origin: germline.

Blueprint Genetics
Classification: Likely benign. Last evaluated: 2024-02-07. Review status: criteria provided, single submitter. Criteria: ACMG Guidelines, 2015. Collection method: clinical testing. Allele origin: germline.

GeneDx
Classification: Likely benign. Last evaluated: 2021-04-16. Review status: criteria provided, single submitter. Criteria: GeneDx Variant Classification Process June 2021. Collection method: clinical testing. Allele origin: germline. Affected: yes.

Illumina Laboratory Services, Illumina
Classification: Likely benign for Emery-Dreifuss muscular dystrophy 4, autosomal dominant. Last evaluated: 2018-01-13. Review status: criteria provided, single submitter. Criteria: ICSL Variant Classification Criteria 13 December 2019. Collection method: clinical testing. Allele origin: germline.
Comment: This variant was observed in the ICSL laboratory as part of a predisposition screen in an ostensibly healthy population. It had not been previously curated by ICSL or reported in the Human Gene Mutation Database (HGMD: prior to June 1st, 2018), and was therefore a candidate for classification through an automated scoring system. Utilizing variant allele frequency, disease prevalence and penetrance estimates, and inheritance mode, an automated score was calculated to assess if this variant is too frequent to cause the disease. Based on the score and internal cut-off values, a variant classified as likely benign is not then subjected to further curation. The score for this variant resulted in a classification of likely benign for this disease.

Illumina Laboratory Services, Illumina
Classification: Uncertain significance for Autosomal recessive ataxia, Beauce type. Last evaluated: 2018-01-13. Review status: criteria provided, single submitter. Criteria: ICSL Variant Classification Criteria 13 December 2019. Collection method: clinical testing. Allele origin: germline.